The following is an entry in ClinVar:

NM_001267550.2(TTN):c.28513G>T (p.Glu9505Ter)

Gene: TTN (titin; minus strand). Cytogenetic location: 2q31.2.
Variant type: single nucleotide variant.
Coding change: c.28513G>T on transcript NM_001267550.2 (MANE Select); coding-DNA position 28513, G replaced by T.
Protein change: p.Glu9505Ter; replaces glutamic acid 9505 with a stop codon.
Molecular consequence: nonsense. On other transcripts: intron variant (3).
Genome position (GRCh38, 1-based): chr2:178,709,806, C>A on the plus strand (G>T on the coding strand, the complement: TTN is on the minus strand). VCF-style: chr2-178709806-C-A. GRCh37 (hg19) VCF-style: chr2-179574533-C-A.
Other names: c.27562G>T, p.Glu9188Ter (NM_001256850.1); c.24781G>T, p.Glu8261Ter (NM_133378.4); c.13282+28276G>T (NM_003319.4); c.13858+28276G>T (NM_133437.4); c.13657+28276G>T (NM_133432.3); short protein forms E8261*, E9188*, E9505*.
Identifiers: ClinVar variation 2577612 (VCV002577612.2), dbSNP rs2076393894, ClinGen allele CA349592345.

ClinVar aggregate classification (germline): Likely pathogenic. Review status: criteria provided, multiple submitters, no conflicts (2 of 4 stars). 2 submissions from 2 submitters: Likely pathogenic (2). Last evaluated 2025-07-06.

Conditions:
Dilated cardiomyopathy 1G (CMD1G). Identifiers: Orphanet 154, MedGen C1858763, MONDO:0011400, OMIM 604145.
Autosomal recessive limb-girdle muscular dystrophy type 2J (LGMDR10). Also called: Limb-girdle muscular dystrophy, type 2J; MUSCULAR DYSTROPHY, LIMB-GIRDLE, AUTOSOMAL RECESSIVE 10. Identifiers: Orphanet 140922, MedGen C1837342, MONDO:0012127, OMIM 608807.

Allele frequency attached by ClinVar (database versions not stated): gnomAD exomes below 0.00001.

Submissions (2):

Labcorp Genetics (formerly Invitae), Labcorp
Classification: Likely pathogenic for Dilated cardiomyopathy 1G; Autosomal recessive limb-girdle muscular dystrophy type 2J. Last evaluated: 2025-07-06. Review status: criteria provided, single submitter. Criteria: Invitae Variant Classification Sherloc (09022015). Collection method: clinical testing. Allele origin: germline.
Comment: This sequence change creates a premature translational stop signal (p.Glu9505*) in the TTN gene. While this is not anticipated to result in nonsense mediated decay, it is expected to create a truncated TTN protein. This variant is not present in population databases (gnomAD no frequency). This premature translational stop signal has been observed in individual(s) with clinical features of autosomal recessive TTN-related conditions (PMID: 31660661). ClinVar contains an entry for this variant (Variation ID: 2577612). Algorithms developed to predict the effect of sequence changes on RNA splicing suggest that this variant may disrupt the consensus splice site. This variant is located in the I band of TTN (PMID: 25589632). Truncating variants in this region have been reported in individuals affected with autosomal recessive centronuclear myopathy (PMID: 23975875, internal data). Truncating variants in this region have also been identified in individuals affected with autosomal dominant dilated cardiomyopathy and/or cardio-related conditions (PMID: 27869827, 32964742, internal data). In summary, the currently available evidence indicates that the variant is pathogenic, but additional data are needed to prove that conclusively. Therefore, this variant has been classified as Likely Pathogenic.

GeneDx
Classification: Likely pathogenic. Last evaluated: 2023-02-22. Review status: criteria provided, single submitter. Criteria: GeneDx Variant Classification Process June 2021. Collection method: clinical testing. Allele origin: germline. Affected: yes.
Comment: Not observed at significant frequency in large population cohorts (gnomAD); Nonsense variant predicted to result in protein truncation or nonsense mediated decay in a gene or region of a gene for which loss of function is not a well-established mechanism of autosomal dominant disease; This variant is associated with the following publications: (PMID: 31660661)

Literature cited by the submitters: PubMed 31660661 (cited by Labcorp Genetics (formerly Invitae), Labcorp); PubMed 25589632 (cited by Labcorp Genetics (formerly Invitae), Labcorp); PubMed 23975875 (cited by Labcorp Genetics (formerly Invitae), Labcorp); PubMed 27869827 (cited by Labcorp Genetics (formerly Invitae), Labcorp); PubMed 32964742 (cited by Labcorp Genetics (formerly Invitae), Labcorp).